The following is an entry in ClinVar:

NM_130384.3(ATRIP):c.1433C>T (p.Ala478Val)

Genes: ATRIP (ATR interacting protein; plus strand), ATRIP-TREX1 (ATRIP-TREX1 readthrough; plus strand). Cytogenetic location: 3p21.31.
Variant type: single nucleotide variant.
Coding change: c.1433C>T on transcript NM_130384.3 (MANE Select); coding-DNA position 1433, C replaced by T.
Protein change: p.Ala478Val; replaces alanine 478 with valine.
Molecular consequence: missense variant. On other transcripts: non-coding transcript variant (1).
Genome position (GRCh38, 1-based): chr3:48,460,487, C>T. VCF-style: chr3-48460487-C-T. GRCh37 (hg19) VCF-style: chr3-48501886-C-T.
Other names: c.1052C>T, p.Ala351Val (NM_001271022.2); c.1154C>T, p.Ala385Val (NM_001271023.2); c.1433C>T, p.Ala478Val (NM_032166.4); short protein forms A351V, A385V, A478V.
Identifiers: ClinVar variation 4644569 (VCV004644569.1).
Genomic context (GRCh38, chr3:48,460,487, plus strand): 5'-CTGGGGTAGAGACCAACCCTGAGGACTCAGTGTGCATCCTGGAAGGCTTCTCTGTGACTG[C>T]ACTTAGCATTCTTCAGCACCTGGTGTGCCACAGCGGAGCAGTCGTCTCCCTATTACTGTC-3'
Protein context (NP_569055.1, residues 468-488): VCILEGFSVT[Ala478Val]LSILQHLVCH

ClinVar aggregate classification (germline): Uncertain significance (1 of 4 stars; one submission).

gnomAD v4.1: 2 of 1,611,644 alleles (0.00012%); highest among the groups gnomAD compares: Middle Eastern, 0.017%; no homozygotes.

Submission:

Ambry Genetics
Classification: Uncertain significance. Last evaluated: 2025-11-01. Review status: criteria provided, single submitter. Criteria: Ambry Variant Classification Scheme 2023. Collection method: clinical testing. Allele origin: germline.
Comment: The p.A478V variant (also known as c.1433C>T), located in coding exon 8 of the ATRIP gene, results from a C to T substitution at nucleotide position 1433. The alanine at codon 478 is replaced by valine, an amino acid with similar properties. This amino acid position is conserved. In addition, this alteration is predicted to be tolerated by in silico analysis. Based on the available evidence, the clinical significance of this variant remains unclear.